The following is an entry in ClinVar:

NM_030777.4(SLC2A10):c.1288+10G>A

Gene: SLC2A10 (solute carrier family 2 member 10; plus strand). Cytogenetic location: 20q13.12.
Variant type: single nucleotide variant.
Coding change: c.1288+10G>A on transcript NM_030777.4 (MANE Select); 10 bases into the intron after coding-DNA position 1288, G replaced by A.
Molecular consequence: intron variant.
Genome position (GRCh38, 1-based): chr20:46,726,334, G>A. VCF-style: chr20-46726334-G-A. GRCh37 (hg19) VCF-style: chr20-45354973-G-A.
Other names: p.?.
Identifiers: ClinVar variation 139175 (VCV000139175.33), dbSNP rs76315093, ClinGen allele CA293553.

ClinVar aggregate classification (germline): Benign/Likely benign. Review status: criteria provided, multiple submitters, no conflicts (2 of 4 stars). 14 submissions from 14 submitters: Benign (13); Likely benign (1). Last evaluated 2026-02-02.

Conditions:
Familial thoracic aortic aneurysm and aortic dissection (TAAD). Also called: Thoracic aortic aneurysms and dissections. Identifiers: Orphanet 91387, MedGen C4707243, MONDO:0019625.
Arterial tortuosity syndrome (ATORS). Identifiers: Orphanet 3342, MedGen C1859726, MONDO:0008818, OMIM 208050.

Allele frequency attached by ClinVar (database versions not stated): 1000 Genomes Project 30x 0.00781; 1000 Genomes Project 0.00819; gnomAD 0.00869 and 0.00886; TOPMed 0.00900; gnomAD exomes 0.01034 and 0.01424; ExAC 0.01118; ESP Exome Variant Server 0.01140.
gnomAD v4.1: 21,926 of 1,605,492 alleles (1.4%); highest among the groups gnomAD compares: South Asian, 1.7%; 196 homozygotes.

Submissions (14):

Labcorp Genetics (formerly Invitae), Labcorp
Classification: Benign for Arterial tortuosity syndrome. Last evaluated: 2026-02-02. Review status: criteria provided, single submitter. Criteria: Invitae Variant Classification Sherloc (09022015). Collection method: clinical testing. Allele origin: germline.

ARUP Laboratories, Molecular Genetics and Genomics, ARUP Laboratories
Classification: Benign for Arterial tortuosity syndrome. Last evaluated: 2025-05-14. Review status: criteria provided, single submitter. Criteria: ARUP Molecular Germline Variant Investigation Process 2024. Collection method: clinical testing. Allele origin: germline.

Mayo Clinic Laboratories, Mayo Clinic
Classification: Benign. Last evaluated: 2025-04-17. Review status: criteria provided, single submitter. Criteria: ACMG Guidelines, 2015. Collection method: clinical testing. Allele origin: germline. Observed: 44 variant alleles.
Comment: BS1, BS2, BP4, BP7

Molecular Diagnostic Laboratory for Inherited Cardiovascular Disease, Montreal Heart Institute
Classification: Benign. Last evaluated: 2025-04-09. Review status: criteria provided, single submitter. Criteria: ACMG Guidelines, 2015. Collection method: clinical testing. Allele origin: germline. Affected: no.

Blueprint Genetics
Classification: Benign. Last evaluated: 2024-11-27. Review status: criteria provided, single submitter. Criteria: ACMG Guidelines, 2015. Collection method: clinical testing. Allele origin: germline.

Women's Health and Genetics/Laboratory Corporation of America, LabCorp
Classification: Benign. Last evaluated: 2020-06-01. Review status: criteria provided, single submitter. Criteria: LabCorp Variant Classification Summary - May 2015. Collection method: clinical testing. Allele origin: germline.
Comment: Variant summary: SLC2A10 c.1288+10G>A alters a nucleotide located close to a canonical splice site and therefore could affect mRNA splicing, leading to a significantly altered protein sequence. Several computational tools predict a significant impact on normal splicing: two predict the variant strengthens a cryptic 3' acceptor site; two predict the variant no significant impact on splicing. However, these predictions have yet to be confirmed by functional studies. The variant allele was found at a frequency of 0.01 in 238094 control chromosomes in the gnomAD database, including 25 homozygotes. The observed variant frequency is approximately 6 fold of the estimated maximal expected allele frequency for a pathogenic variant in SLC2A10 causing Aortopathy phenotype (0.0016), strongly suggesting that the variant is benign. To our knowledge, no occurrence of c.1288+10G>A in individuals affected with Aortopathy and no experimental evidence demonstrating its impact on protein function have been reported. Four clinical diagnostic laboratories have submitted clinical-significance assessments for this variant to ClinVar after 2014 without evidence for independent evaluation (benign n=3, VUS n=1). Based on the evidence outlined above, the variant was classified as benign.

CHEO Genetics Diagnostic Laboratory, Children's Hospital of Eastern Ontario
Classification: Benign for Familial thoracic aortic aneurysm and aortic dissection. Last evaluated: 2019-04-12. Review status: criteria provided, single submitter. Criteria: ACMG Guidelines, 2015. Collection method: clinical testing. Allele origin: germline.

Illumina Laboratory Services, Illumina
Classification: Benign for Arterial tortuosity syndrome. Last evaluated: 2018-01-13. Review status: criteria provided, single submitter. Criteria: ICSL Variant Classification Criteria 13 December 2019. Collection method: clinical testing. Allele origin: germline.
Comment: This variant was observed in the ICSL laboratory as part of a predisposition screen in an ostensibly healthy population. It had not been previously curated by ICSL or reported in the Human Gene Mutation Database (HGMD: prior to June 1st, 2018), and was therefore a candidate for classification through an automated scoring system. Utilizing variant allele frequency, disease prevalence and penetrance estimates, and inheritance mode, an automated score was calculated to assess if this variant is too frequent to cause the disease. Based on the score and internal cut-off values, a variant classified as benign is not then subjected to further curation. The score for this variant resulted in a classification of benign for this disease.

Clinical Genetics DNA and cytogenetics Diagnostics Lab, Erasmus MC, Erasmus Medical Center
Classification: Benign for Arterial tortuosity syndrome. Last evaluated: 2017-05-31. Review status: criteria provided, single submitter. Criteria: ACGS Guidelines, 2013. Collection method: clinical testing. Allele origin: germline. Affected: yes. Study: VKGL Data-share Consensus.

Ambry Genetics
Classification: Likely benign for Familial thoracic aortic aneurysm and aortic dissection. Last evaluated: 2015-08-30. Review status: criteria provided, single submitter. Criteria: Ambry Variant Classification Scheme 2023. Collection method: clinical testing. Allele origin: germline.

Genome Diagnostics Laboratory, University Medical Center Utrecht
Classification: Benign for Arterial tortuosity syndrome. Last evaluated: 2014-10-09. Review status: criteria provided, single submitter. Criteria: ACGS Guidelines, 2013. Collection method: clinical testing. Allele origin: germline. Affected: yes. Study: VKGL Data-share Consensus.

GeneDx
Classification: Benign. Last evaluated: 2013-02-01. Review status: criteria provided, single submitter. Criteria: GeneDx Variant Classification (06012015). Collection method: clinical testing. Allele origin: germline. Affected: yes.
Comment: This variant is considered likely benign or benign based on one or more of the following criteria: it is a conservative change, it occurs at a poorly conserved position in the protein, it is predicted to be benign by multiple in silico algorithms, and/or has population frequency not consistent with disease.

Breakthrough Genomics
Classification: Benign. Review status: criteria provided, single submitter. Criteria: ACMG Guidelines, 2015. Collection method: not provided. Allele origin: germline. Inheritance: Autosomal recessive inheritance. Affected: yes.

PreventionGenetics, part of Exact Sciences
Classification: Benign. Review status: criteria provided, single submitter. Criteria: ACMG Guidelines, 2015. Collection method: clinical testing. Allele origin: germline.